The following is an entry in ClinVar:

NM_001375808.2(LPIN2):c.1864A>T (p.Ile622Phe)

Gene: LPIN2 (lipin 2; minus strand). Cytogenetic location: 18p11.31.
Variant type: single nucleotide variant.
Coding change: c.1864A>T on transcript NM_001375808.2 (MANE Select); coding-DNA position 1864, A replaced by T.
Protein change: p.Ile622Phe; replaces isoleucine 622 with phenylalanine.
Molecular consequence: missense variant.
Genome position (GRCh38, 1-based): chr18:2,925,298, T>A on the plus strand (A>T on the coding strand, the complement: LPIN2 is on the minus strand). VCF-style: chr18-2925298-T-A. GRCh37 (hg19) VCF-style: chr18-2925296-T-A.
Other names: c.1864A>T, p.Ile622Phe (NM_001375809.1, NM_014646.2); short protein forms I622F.
Identifiers: ClinVar variation 2126529 (VCV002126529.4), dbSNP rs2510246114, ClinGen allele CA401701807.

ClinVar aggregate classification (germline): Uncertain significance (1 of 4 stars; one submission).

Conditions:
Majeed syndrome (MJDS). Also called: LPIN2-Related Majeed Syndrome; CHRONIC RECURRENT MULTIFOCAL OSTEOMYELITIS 1, WITH CONGENITAL DYSERYTHROPOIETIC ANEMIA, WITH OR WITHOUT NEUTROPHILIC DERMATOSIS. Identifiers: Orphanet 77297, MedGen C1864997, MONDO:0012316, OMIM 609628.

Submission:

Labcorp Genetics (formerly Invitae), Labcorp
Classification: Uncertain significance for Majeed syndrome. Last evaluated: 2024-09-05. Review status: criteria provided, single submitter. Criteria: Invitae Variant Classification Sherloc (09022015). Collection method: clinical testing. Allele origin: germline.
Comment: This sequence change replaces isoleucine, which is neutral and non-polar, with phenylalanine, which is neutral and non-polar, at codon 622 of the LPIN2 protein (p.Ile622Phe). This variant is not present in population databases (gnomAD no frequency). This variant has not been reported in the literature in individuals affected with LPIN2-related conditions. ClinVar contains an entry for this variant (Variation ID: 2126529). Invitae Evidence Modeling of protein sequence and biophysical properties (such as structural, functional, and spatial information, amino acid conservation, physicochemical variation, residue mobility, and thermodynamic stability) indicates that this missense variant is not expected to disrupt LPIN2 protein function with a negative predictive value of 80%. In summary, the available evidence is currently insufficient to determine the role of this variant in disease. Therefore, it has been classified as a Variant of Uncertain Significance.